The following is an entry in ClinVar:

NM_032236.8(USP48):c.1962T>C (p.His654=)

Gene: USP48 (ubiquitin specific peptidase 48; minus strand). Cytogenetic location: 1p36.12.
Variant type: single nucleotide variant.
Coding change: c.1962T>C on transcript NM_032236.8 (MANE Select); coding-DNA position 1962, T replaced by C.
Protein change: p.His654=; no amino-acid change (histidine 654 retained).
Molecular consequence: synonymous variant.
Genome position (GRCh38, 1-based): chr1:21,715,390, A>G on the plus strand (T>C on the coding strand, the complement: USP48 is on the minus strand). VCF-style: chr1-21715390-A-G. GRCh37 (hg19) VCF-style: chr1-22041883-A-G.
Other names: c.1962T>C, p.His654= (NM_001330394.3); c.1761T>C, p.His587= (NM_001350164.2); c.1956T>C, p.His652= (NM_001350166.2); c.1959T>C, p.His653= (NM_001350167.2, NM_001350168.2).
Identifiers: ClinVar variation 2672327 (VCV002672327.23), dbSNP rs77218913, ClinGen allele CA668389.

ClinVar aggregate classification (germline): Benign (1 of 4 stars; one submission).

Allele frequency attached by ClinVar (database versions not stated): gnomAD exomes 0.00087; ExAC 0.00219; gnomAD 0.00464; ESP Exome Variant Server 0.00531; TOPMed 0.00535; 1000 Genomes Project 30x 0.00687; 1000 Genomes Project 0.00739.
gnomAD v4.1: 2,052 of 1,589,658 alleles (0.13%); highest among the groups gnomAD compares: African/African-American, 1.5%; 21 homozygotes.

Submission:

CeGaT Center for Human Genetics Tuebingen
Classification: Benign. Last evaluated: 2026-03-01. Review status: criteria provided, single submitter. Criteria: CeGaT Center For Human Genetics Tuebingen Variant Classification Criteria Version 2. Collection method: clinical testing. Allele origin: germline. Affected: yes. Observed: 2 variant alleles.
Comment: USP48: BP4, BS1, BS2